The following is an entry in ClinVar:

NM_001330260.2(SCN8A):c.3317A>C (p.Glu1106Ala)

Gene: SCN8A (sodium voltage-gated channel alpha subunit 8; plus strand). Cytogenetic location: 12q13.13.
Variant type: single nucleotide variant.
Coding change: c.3317A>C on transcript NM_001330260.2 (MANE Select); coding-DNA position 3317, A replaced by C.
Protein change: p.Glu1106Ala; replaces glutamic acid 1106 with alanine.
Molecular consequence: missense variant.
Genome position (GRCh38, 1-based): chr12:51,769,280, A>C. VCF-style: chr12-51769280-A-C. GRCh37 (hg19) VCF-style: chr12-52163064-A-C.
Other names: c.3317A>C, p.Glu1106Ala (NM_001177984.3, NM_001369788.1, NM_014191.4); short protein forms E1106A.
Identifiers: ClinVar variation 1201144 (VCV001201144.3), dbSNP rs2138869049, ClinGen allele CA384893623.

ClinVar aggregate classification (germline): Uncertain significance (1 of 4 stars; one submission).

Submission:

GeneDx
Classification: Uncertain significance. Last evaluated: 2019-07-24. Review status: criteria provided, single submitter. Criteria: GeneDx Variant Classification Process June 2021. Collection method: clinical testing. Allele origin: germline. Affected: yes.
Comment: Not observed in large population cohorts (Lek et al., 2016); The majority of missense variants in this gene are considered pathogenic (Stenson et al., 2014); In silico analysis, which includes protein predictors and evolutionary conservation, supports a deleterious effect; Has not been previously published as pathogenic or benign to our knowledge; This substitution is predicted to be in the cytoplasmic loop between the second and third homologous domains